The following is an entry in ClinVar:

ClinVar aggregate classification (germline): Uncertain significance (1 of 4 stars; one submission).

Conditions:
Baller-Gerold syndrome (BGS). Also called: CRANIOSYNOSTOSIS WITH RADIAL DEFECTS. Identifiers: Orphanet 1225, MedGen C0265308, MONDO:0009039, OMIM 218600.

Submission:

Labcorp Genetics (formerly Invitae), Labcorp
Classification: Uncertain significance for Baller-Gerold syndrome. Last evaluated: 2022-01-11. Review status: criteria provided, single submitter. Criteria: Invitae Variant Classification Sherloc (09022015). Collection method: clinical testing. Allele origin: germline.
Comment: This variant is present in population databases (rs752370500, gnomAD 0.006%). This sequence change replaces asparagine, which is neutral and polar, with histidine, which is basic and polar, at codon 616 of the RECQL4 protein (p.Asn616His). This variant has not been reported in the literature in individuals affected with RECQL4-related conditions. In summary, the available evidence is currently insufficient to determine the role of this variant in disease. Therefore, it has been classified as a Variant of Uncertain Significance. Experimental studies and prediction algorithms are not available or were not evaluated, and the functional significance of this variant is currently unknown.

NM_004260.4(RECQL4):c.1846A>C (p.Asn616His)

Gene: RECQL4 (RecQ like helicase 4; minus strand). Cytogenetic location: 8q24.3.
Variant type: single nucleotide variant.
Coding change: c.1846A>C on transcript NM_004260.4 (MANE Select); coding-DNA position 1846, A replaced by C.
Protein change: p.Asn616His; replaces asparagine 616 with histidine.
Molecular consequence: missense variant.
Genome position (GRCh38, 1-based): chr8:144,514,221, T>G on the plus strand (A>C on the coding strand, the complement: RECQL4 is on the minus strand). VCF-style: chr8-144514221-T-G. GRCh37 (hg19) VCF-style: chr8-145739605-T-G.
Other names: c.775A>C, p.Asn259His (NM_001413034.1, NM_001413035.1, NM_001413038.1 and 6 more transcripts); c.1846A>C, p.Asn616His (NM_001413036.1, NM_001413018.1, NM_001413019.1); c.643A>C, p.Asn215His (NM_001413037.1); c.1816A>C, p.Asn606His (NM_001413039.1); c.709A>C, p.Asn237His (NM_001413041.1, NM_001413027.1, NM_001413030.1 and 1 more transcripts); c.745A>C, p.Asn249His (NM_001413042.1); c.379A>C, p.Asn127His (NM_001413043.1); c.1750A>C, p.Asn584His (NM_001413017.1, NM_001413020.1); and 4 more; short protein forms N259H, N127H, N215H, N584H, N616H, N499H, N606H, N193H.
Identifiers: ClinVar variation 2078259 (VCV002078259.4), dbSNP rs752370500, ClinGen allele CA4948641.